The following is an entry in ClinVar:

NM_002253.4(KDR):c.1537-6G>A

Gene: KDR (kinase insert domain receptor; minus strand). Cytogenetic location: 4q12.
Variant type: single nucleotide variant.
Coding change: c.1537-6G>A on transcript NM_002253.4 (MANE Select); 6 bases into the intron before coding-DNA position 1537, G replaced by A.
Molecular consequence: intron variant.
Genome position (GRCh38, 1-based): chr4:55,105,946, C>T on the plus strand (G>A on the coding strand, the complement: KDR is on the minus strand). VCF-style: chr4-55105946-C-T. GRCh37 (hg19) VCF-style: chr4-55972113-C-T.
Identifiers: ClinVar variation 3051014 (VCV003051014.2), dbSNP rs192072878, ClinGen allele CA2924686.

ClinVar aggregate classification (germline): Likely benign (0 of 4 stars; one submission).

Conditions:
KDR-related disorder. Also called: KDR-related condition.

Allele frequency attached by ClinVar (database versions not stated): gnomAD 0.00014; TOPMed 0.00014; 1000 Genomes Project 30x 0.00016; 1000 Genomes Project 0.00020; ExAC 0.00028.
gnomAD v4.1: 158 of 1,592,904 alleles (0.0099%); highest among the groups gnomAD compares: Admixed American, 0.053%; no homozygotes.

Submission:

PreventionGenetics, part of Exact Sciences
Classification: Likely benign for KDR-related condition. Last evaluated: 2019-02-21. Review status: no assertion criteria provided. Collection method: clinical testing. Allele origin: germline.
Comment: This variant is classified as likely benign based on ACMG/AMP sequence variant interpretation guidelines (Richards et al. 2015 PMID: 25741868, with internal and published modifications).